The following is an entry in ClinVar:

ClinVar aggregate classification (germline): Uncertain significance. Review status: criteria provided, multiple submitters, no conflicts (2 of 4 stars). 3 submissions from 3 submitters: Uncertain significance (3). Last evaluated 2025-05-18.

Conditions:
Emery-Dreifuss muscular dystrophy 5, autosomal dominant (EDMD5). Also called: EMERY-DREIFUSS MUSCULAR DYSTROPHY 5. Identifiers: Orphanet 261, MedGen C2751805, MONDO:0013072, OMIM 612999.

Allele frequency attached by ClinVar (database versions not stated): TOPMed below 0.00001; gnomAD exomes 0.00002 and 0.00005; gnomAD 0.00006; ExAC 0.00010.
gnomAD v4.1: 46 of 1,614,066 alleles (0.0028%); highest among the groups gnomAD compares: South Asian, 0.0033%; no homozygotes.

Submissions (3):

Ambry Genetics
Classification: Uncertain significance. Last evaluated: 2025-05-18. Review status: criteria provided, single submitter. Criteria: Ambry Variant Classification Scheme 2023. Collection method: clinical testing. Allele origin: germline.

Labcorp Genetics (formerly Invitae), Labcorp
Classification: Uncertain significance for Emery-Dreifuss muscular dystrophy 5, autosomal dominant. Last evaluated: 2022-03-09. Review status: criteria provided, single submitter. Criteria: Invitae Variant Classification Sherloc (09022015). Collection method: clinical testing. Allele origin: germline.
Comment: This sequence change replaces lysine, which is basic and polar, with arginine, which is basic and polar, at codon 344 of the SYNE2 protein (p.Lys344Arg). In summary, the available evidence is currently insufficient to determine the role of this variant in disease. Therefore, it has been classified as a Variant of Uncertain Significance. Algorithms developed to predict the effect of missense changes on protein structure and function output the following: SIFT: "Tolerated"; PolyPhen-2: "Benign"; Align-GVGD: "Class C0". The arginine amino acid residue is found in multiple mammalian species, which suggests that this missense change does not adversely affect protein function. ClinVar contains an entry for this variant (Variation ID: 939674). This variant has not been reported in the literature in individuals affected with SYNE2-related conditions. This variant is present in population databases (rs776084455, gnomAD 0.01%).

Department of Pathology and Laboratory Medicine, Sinai Health System
Classification: Uncertain significance for Emery-Dreifuss muscular dystrophy 5, autosomal dominant. Last evaluated: 2021-11-02. Review status: criteria provided, single submitter. Criteria: ACMG Guidelines, 2015. Collection method: research. Allele origin: germline.

NM_182914.3(SYNE2):c.1031A>G (p.Lys344Arg)

Gene: SYNE2 (spectrin repeat containing nuclear envelope protein 2; plus strand). Cytogenetic location: 14q23.2.
Variant type: single nucleotide variant.
Coding change: c.1031A>G on transcript NM_182914.3 (MANE Select); coding-DNA position 1031, A replaced by G.
Protein change: p.Lys344Arg; replaces lysine 344 with arginine.
Molecular consequence: missense variant.
Genome position (GRCh38, 1-based): chr14:63,967,749, A>G. VCF-style: chr14-63967749-A-G. GRCh37 (hg19) VCF-style: chr14-64434467-A-G.
Other names: c.1031A>G, p.Lys344Arg (NM_015180.6); short protein forms K344R.
Identifiers: ClinVar variation 939674 (VCV000939674.11), dbSNP rs776084455, ClinGen allele CA7219310.
Genomic context (GRCh38, chr14:63,967,749, plus strand): 5'-AAATACTCTTCTAATTGCAGAGCCTGCTGTCCTTTATGGAGTCATTCAATGAAGAAAAAA[A>G]GTCCTTTTTGGATGTCCTGTCAATAAAACGGGATCTGGATGAGCTGGACAAGGATCATTT-3'
Protein context (NP_878918.2, residues 334-354): SFMESFNEEK[Lys344Arg]SFLDVLSIKR